The following is an entry in ClinVar:

ClinVar aggregate classification (germline): Uncertain significance (1 of 4 stars; one submission).

Submission:

GeneDx
Classification: Uncertain significance. Last evaluated: 2018-03-27. Review status: criteria provided, single submitter. Criteria: GeneDx Variant Classification (06012015). Collection method: clinical testing. Allele origin: germline. Affected: yes.
Comment: The Y354X variant in the RBFOX1 gene has not been reported previously as a pathogenic variant nor as a benign variant, to our knowledge. This variant is predicted to cause loss of normal protein function either through protein truncation or nonsense-mediated mRNA decay. The Y354X variant is not observed in large population cohorts (Lek et al., 2016; 1000 Genomes Consortium et al., 2015; Exome Variant Server). We interpret Y354X as a variant of uncertain significance.

NM_018723.4(RBFOX1):c.999C>A (p.Tyr333Ter)

Genes: RBFOX1 (RNA binding fox-1 homolog 1; plus strand), LOC126862279 (MED14-independent group 3 enhancer GRCh37_chr16:7758954-7760153; plus strand). Cytogenetic location: 16p13.3.
Variant type: single nucleotide variant.
Coding change: c.999C>A on transcript NM_018723.4 (MANE Select); coding-DNA position 999, C replaced by A.
Protein change: p.Tyr333Ter; replaces tyrosine 333 with a stop codon.
Molecular consequence: nonsense. On other transcripts: missense variant (2).
Genome position (GRCh38, 1-based): chr16:7,709,059, C>A. VCF-style: chr16-7709059-C-A. GRCh37 (hg19) VCF-style: chr16-7759061-C-A.
Other names: c.918C>A, p.Tyr306Ter (NM_001142333.2); c.999C>A, p.Tyr333Ter (NM_001142334.2); c.1128C>A, p.Tyr376Ter (NM_001308117.1); c.1052C>A, p.Thr351Lys (NM_001364800.2); c.1062C>A, p.Tyr354Ter (NM_145891.3, NM_145892.3); c.1115C>A, p.Thr372Lys (NM_145893.3); short protein forms T372K, Y333*, Y354*, Y306*, T351K, Y376*.
Identifiers: ClinVar variation 451157 (VCV000451157.2), dbSNP rs368442088, ClinGen allele CA394795459.
Genomic context (GRCh38, chr16:7,709,059, plus strand): 5'-GTTATTGTTTTGTAATTGCATACTGTGGATCAATCTTCACCTCTATTTTCCTTTCAGTTA[C>A]GGACGAGTTTATGCTGCCGACCCCTACCACCACGCACTTGCTCCAGCCCCCACCTACGGC-3'